The following is an entry in ClinVar:

NM_001040108.2(MLH3):c.3988-1G>A

Gene: MLH3 (mutL homolog 3; minus strand). Cytogenetic location: 14q24.3.
Variant type: single nucleotide variant.
Coding change: c.3988-1G>A on transcript NM_001040108.2 (MANE Select); the canonical splice acceptor site of the intron before coding-DNA position 3988, G replaced by A.
Molecular consequence: splice acceptor variant.
Genome position (GRCh38, 1-based): chr14:75,023,019, C>T on the plus strand (G>A on the coding strand, the complement: MLH3 is on the minus strand). VCF-style: chr14-75023019-C-T. GRCh37 (hg19) VCF-style: chr14-75489722-C-T.
Other names: c.3916-1G>A (NM_014381.3).
Identifiers: ClinVar variation 3873446 (VCV003873446.2).

ClinVar aggregate classification (germline): Conflicting classifications of pathogenicity. Review status: criteria provided, conflicting classifications (1 of 4 stars). 2 submissions from 2 submitters: Likely pathogenic (1); Uncertain significance (1). Last evaluated 2025-11-26.

Conditions:
Colorectal cancer, hereditary nonpolyposis, type 7. Identifiers: Orphanet 144, MedGen C1858380, MONDO:0013725, OMIM 614385.

Submissions (2):

Myriad Genetics, Inc.
Classification: Likely pathogenic for Colorectal cancer, hereditary nonpolyposis, type 7. Last evaluated: 2025-11-26. Review status: criteria provided, single submitter. Criteria: Myriad Autosomal Dominant, Autosomal Recessive and X-Linked Classification Criteria (2023). Collection method: clinical testing. Allele origin: unknown.
Comment: This variant is considered likely pathogenic. This variant occurs within a consensus splice junction and is predicted to result in abnormal mRNA splicing of either an out-of-frame exon or an in-frame exon necessary for protein stability and/or normal function.

Ambry Genetics
Classification: Uncertain significance. Last evaluated: 2025-02-05. Review status: criteria provided, single submitter. Criteria: Ambry Variant Classification Scheme 2023. Collection method: clinical testing. Allele origin: germline.
Comment: The c.3988-1G>A intronic variant results from a G to A substitution one nucleotide upstream from coding exon 9 of the MLH3 gene. Alterations that disrupt the canonical splice site are expected to result in aberrant splicing. In silico splice site analysis predicts that this alteration will weaken the native splice acceptor site. The resulting transcript is predicted to be in-frame and is not expected to trigger nonsense-mediated mRNAdecay; although, direct evidence is unavailable. This nucleotide position is highly conserved in available vertebrate species. The evidence for this gene-disease relationship is limited; therefore, the clinical significance of this alteration is unclear.